The following is an entry in ClinVar:

ClinVar aggregate classification (germline): Pathogenic/Likely pathogenic. Review status: criteria provided, multiple submitters, no conflicts (2 of 4 stars). 3 submissions from 3 submitters: Pathogenic (1); Likely pathogenic (2). Last evaluated 2024-05-23.

Conditions:
Multiple acyl-CoA dehydrogenase deficiency (MADD). Also called: Glutaric acidemia type II; GA 2; Glutaric Acidemia type 2; ETHYLMALONIC-ADIPICACIDURIA; GA II; Glutaric aciduria, type 2. Identifiers: Orphanet 26791, MedGen C0268596, MONDO:0009282, OMIM 231680.

Allele frequency attached by ClinVar (database versions not stated): gnomAD exomes below 0.00001 and 0.00001; TOPMed below 0.00001; gnomAD 0.00001.
gnomAD v4.1: 10 of 1,614,002 alleles (0.00062%); highest among the groups gnomAD compares: Non-Finnish European, 0.00085%; no homozygotes.

Submissions (3):

Labcorp Genetics (formerly Invitae), Labcorp
Classification: Pathogenic for Multiple acyl-CoA dehydrogenase deficiency. Last evaluated: 2024-05-23. Review status: criteria provided, single submitter. Criteria: Invitae Variant Classification Sherloc (09022015). Collection method: clinical testing. Allele origin: germline.
Comment: This sequence change replaces alanine, which is neutral and non-polar, with proline, which is neutral and non-polar, at codon 12 of the ETFDH protein (p.Ala12Pro). This variant also falls at the last nucleotide of exon 1, which is part of the consensus splice site for this exon. This variant is present in population databases (no rsID available, gnomAD 0.0009%). This missense change has been observed in individual(s) with clinical features of multiple acyl-CoA dehydrogenase deficiency (PMID: 30587156; Invitae). In at least one individual the data is consistent with being in trans (on the opposite chromosome) from a pathogenic variant. ClinVar contains an entry for this variant (Variation ID: 576973). An algorithm developed to predict the effect of missense changes on protein structure and function (PolyPhen-2) suggests that this variant is likely to be tolerated. Variants that disrupt the consensus splice site are a relatively common cause of aberrant splicing (PMID: 17576681, 9536098). Algorithms developed to predict the effect of sequence changes on RNA splicing suggest that this variant may disrupt the consensus splice site. For these reasons, this variant has been classified as Pathogenic.

Baylor Genetics
Classification: Likely pathogenic for Multiple acyl-CoA dehydrogenase deficiency. Last evaluated: 2023-02-27. Review status: criteria provided, single submitter. Criteria: ACMG Guidelines, 2015. Collection method: clinical testing. Allele origin: unknown.

GeneDx
Classification: Likely pathogenic. Last evaluated: 2022-06-10. Review status: criteria provided, single submitter. Criteria: GeneDx Variant Classification Process June 2021. Collection method: clinical testing. Allele origin: germline. Affected: yes.
Comment: Not observed at a significant frequency in large population cohorts (gnomAD); In silico analysis supports that this missense variant has a deleterious effect on protein structure/function; This variant is associated with the following publications: (PMID: 30681493, 31904027, 30587156)

Literature cited by the submitters: PubMed 30587156 (cited by Labcorp Genetics (formerly Invitae), Labcorp); PubMed 17576681 (cited by Labcorp Genetics (formerly Invitae), Labcorp); PubMed 9536098 (cited by Labcorp Genetics (formerly Invitae), Labcorp).

NM_004453.4(ETFDH):c.34G>C (p.Ala12Pro)

Gene: ETFDH (electron transfer flavoprotein dehydrogenase; plus strand). Cytogenetic location: 4q32.1.
Variant type: single nucleotide variant.
Coding change: c.34G>C on transcript NM_004453.4 (MANE Select); coding-DNA position 34, G replaced by C.
Protein change: p.Ala12Pro; replaces alanine 12 with proline.
Molecular consequence: missense variant.
Genome position (GRCh38, 1-based): chr4:158,672,490, G>C. VCF-style: chr4-158672490-G-C. GRCh37 (hg19) VCF-style: chr4-159593642-G-C.
Other names: c.34G>C, p.Gly12Arg (NM_001281737.2); short protein forms A12P, G12R.
Identifiers: ClinVar variation 576973 (VCV000576973.18), dbSNP rs1172887273, ClinGen allele CA358573042.